The following is an entry in ClinVar:

NM_001348800.3(ZBTB20):c.1888G>A (p.Gly630Arg)

Gene: ZBTB20 (zinc finger and BTB domain containing 20; minus strand). Cytogenetic location: 3q13.31.
Variant type: single nucleotide variant.
Coding change: c.1888G>A on transcript NM_001348800.3 (MANE Select); coding-DNA position 1888, G replaced by A.
Protein change: p.Gly630Arg; replaces glycine 630 with arginine.
Molecular consequence: missense variant. On other transcripts: non-coding transcript variant (1).
Genome position (GRCh38, 1-based): chr3:114,339,343, C>T on the plus strand (G>A on the coding strand, the complement: ZBTB20 is on the minus strand). VCF-style: chr3-114339343-C-T. GRCh37 (hg19) VCF-style: chr3-114058190-C-T.
Other names: c.1888G>A, p.Gly630Arg (NM_001164342.2, NM_001393393.1, NM_001393394.1 and 1 more transcripts); c.1669G>A, p.Gly557Arg (NM_001348805.3, NM_001393395.1, NM_001393396.1 and 9 more transcripts); short protein forms G557R, G630R.
Identifiers: ClinVar variation 4082727 (VCV004082727.1).

ClinVar aggregate classification (germline): Uncertain significance (1 of 4 stars; one submission).

Submission:

GeneDx
Classification: Uncertain significance. Last evaluated: 2025-03-12. Review status: criteria provided, single submitter. Criteria: GeneDx Variant Classification Process June 2021. Collection method: clinical testing. Allele origin: germline. Affected: yes.
Comment: Not observed at significant frequency in large population cohorts (gnomAD); In silico analysis supports that this missense variant has a deleterious effect on protein structure/function; Has not been previously published as pathogenic or benign to our knowledge